The following is an entry in ClinVar:

NM_006440.5(TXNRD2):c.949+223G>A

Gene: TXNRD2 (thioredoxin reductase 2; minus strand). Cytogenetic location: 22q11.21.
Variant type: single nucleotide variant.
Coding change: c.949+223G>A on transcript NM_006440.5 (MANE Select); 223 bases into the intron after coding-DNA position 949, G replaced by A.
Molecular consequence: intron variant. On other transcripts: synonymous variant (2).
Genome position (GRCh38, 1-based): chr22:19,895,184, C>T on the plus strand (G>A on the coding strand, the complement: TXNRD2 is on the minus strand). VCF-style: chr22-19895184-C-T. GRCh37 (hg19) VCF-style: chr22-19882707-C-T.
Other names: c.966G>A, p.Ala322= (NM_001282512.3); c.870G>A, p.Ala290= (NM_001352303.2); c.946+223G>A (NM_001352300.2); c.661+223G>A (NM_001352302.2); c.859+223G>A (NM_001352301.2).
Identifiers: ClinVar variation 3388493 (VCV003388493.14).

ClinVar aggregate classification (germline): Likely benign (1 of 4 stars; one submission).

gnomAD v4.1: 53 of 1,598,190 alleles (0.0033%); highest among the groups gnomAD compares: Middle Eastern, 0.016%; no homozygotes.

Submission:

CeGaT Center for Human Genetics Tuebingen
Classification: Likely benign. Last evaluated: 2024-10-01. Review status: criteria provided, single submitter. Criteria: CeGaT Center For Human Genetics Tuebingen Variant Classification Criteria Version 2. Collection method: clinical testing. Allele origin: germline. Affected: yes. Observed: 1 variant allele.
Comment: TXNRD2: BP4, BP7